The following is an entry in ClinVar:

ClinVar aggregate classification (germline): Uncertain significance. Review status: criteria provided, multiple submitters, no conflicts (2 of 4 stars). 2 submissions from 2 submitters: Uncertain significance (2). Last evaluated 2025-08-26.

Conditions:
Nephronophthisis. Also called: Juvenile Nephronophthisis. Identifiers: Orphanet 655, MedGen C0687120, MONDO:0019005, HP:0000090.
Senior-Loken syndrome 5 (SLSN5). Identifiers: Orphanet 3156, MedGen C1836517, MONDO:0012225, OMIM 609254.

Allele frequency attached by ClinVar (database versions not stated): gnomAD 0.00002; ExAC 0.00003; gnomAD exomes 0.00003; TOPMed 0.00003.
gnomAD v4.1: 46 of 1,613,696 alleles (0.0029%); highest among the groups gnomAD compares: Middle Eastern, 0.016%; no homozygotes.

Submissions (2):

Labcorp Genetics (formerly Invitae), Labcorp
Classification: Uncertain significance for Nephronophthisis. Last evaluated: 2025-08-26. Review status: criteria provided, single submitter. Criteria: Invitae Variant Classification Sherloc (09022015). Collection method: clinical testing. Allele origin: germline.
Comment: This sequence change replaces arginine, which is basic and polar, with glutamine, which is neutral and polar, at codon 445 of the IQCB1 protein (p.Arg445Gln). This variant is present in population databases (rs377265463, gnomAD 0.006%). This variant has not been reported in the literature in individuals affected with IQCB1-related conditions. ClinVar contains an entry for this variant (Variation ID: 1359148). Invitae Evidence Modeling of protein sequence and biophysical properties (such as structural, functional, and spatial information, amino acid conservation, physicochemical variation, residue mobility, and thermodynamic stability) indicates that this missense variant is not expected to disrupt IQCB1 protein function with a negative predictive value of 80%. In summary, the available evidence is currently insufficient to determine the role of this variant in disease. Therefore, it has been classified as a Variant of Uncertain Significance.

Fulgent Genetics
Classification: Uncertain significance for Senior-Loken syndrome 5. Last evaluated: 2022-01-06. Review status: criteria provided, single submitter. Criteria: ACMG Guidelines, 2015. Collection method: clinical testing. Allele origin: unknown.

NM_001023570.4(IQCB1):c.1334G>A (p.Arg445Gln)

Gene: IQCB1 (IQ motif containing B1; minus strand). Cytogenetic location: 3q13.33.
Variant type: single nucleotide variant.
Coding change: c.1334G>A on transcript NM_001023570.4 (MANE Select); coding-DNA position 1334, G replaced by A.
Protein change: p.Arg445Gln; replaces arginine 445 with glutamine.
Molecular consequence: missense variant. On other transcripts: non-coding transcript variant (1).
Genome position (GRCh38, 1-based): chr3:121,781,819, C>T on the plus strand (G>A on the coding strand, the complement: IQCB1 is on the minus strand). VCF-style: chr3-121781819-C-T. GRCh37 (hg19) VCF-style: chr3-121500666-C-T.
Other names: c.935G>A, p.Arg312Gln (NM_001023571.4); c.1334G>A, p.Arg445Gln (NM_001319107.2); short protein forms R312Q, R445Q.
Identifiers: ClinVar variation 1359148 (VCV001359148.9), dbSNP rs377265463, ClinGen allele CA2567123.